The following is an entry in ClinVar:

ClinVar aggregate classification (germline): Uncertain significance (1 of 4 stars; one submission).

Allele frequency attached by ClinVar (database versions not stated): gnomAD exomes 0.00001.
gnomAD v4.1: 5 of 1,614,170 alleles (0.00031%); highest among the groups gnomAD compares: Non-Finnish European, 0.00042%; no homozygotes.

Submission:

Labcorp Genetics (formerly Invitae), Labcorp
Classification: Uncertain significance. Last evaluated: 2022-03-28. Review status: criteria provided, single submitter. Criteria: Invitae Variant Classification Sherloc (09022015). Collection method: clinical testing. Allele origin: germline.
Comment: In summary, the available evidence is currently insufficient to determine the role of this variant in disease. Therefore, it has been classified as a Variant of Uncertain Significance. Algorithms developed to predict the effect of missense changes on protein structure and function (SIFT, PolyPhen-2, Align-GVGD) all suggest that this variant is likely to be disruptive. This variant has not been reported in the literature in individuals affected with CLRN1-related conditions. This variant is not present in population databases (gnomAD no frequency). This sequence change replaces phenylalanine, which is neutral and non-polar, with cysteine, which is neutral and slightly polar, at codon 193 of the CLRN1 protein (p.Phe193Cys).

NM_174878.3(CLRN1):c.578T>G (p.Phe193Cys)

Gene: CLRN1 (clarin 1; minus strand). Cytogenetic location: 3q25.1.
Variant type: single nucleotide variant.
Coding change: c.578T>G on transcript NM_174878.3 (MANE Select); coding-DNA position 578, T replaced by G.
Protein change: p.Phe193Cys; replaces phenylalanine 193 with cysteine.
Molecular consequence: missense variant. On other transcripts: 3 prime UTR variant (1), non-coding transcript variant (1), intron variant (1).
Genome position (GRCh38, 1-based): chr3:150,928,057, A>C on the plus strand (T>G on the coding strand, the complement: CLRN1 is on the minus strand). VCF-style: chr3-150928057-A-C. GRCh37 (hg19) VCF-style: chr3-150645844-A-C.
Other names: c.617T>G, p.Phe206Cys (NM_001195794.1); c.*192T>G (NM_001256819.2); c.342+8T>G (NM_052995.2); short protein forms F193C, F206C.
Identifiers: ClinVar variation 2119037 (VCV002119037.4), dbSNP rs2472761531, ClinGen allele CA354953015.